The following is an entry in ClinVar:

NM_001040142.2(SCN2A):c.1448T>C (p.Phe483Ser)

Gene: SCN2A (sodium voltage-gated channel alpha subunit 2; plus strand). Cytogenetic location: 2q24.3.
Variant type: single nucleotide variant.
Coding change: c.1448T>C on transcript NM_001040142.2 (MANE Select); coding-DNA position 1448, T replaced by C.
Protein change: p.Phe483Ser; replaces phenylalanine 483 with serine.
Molecular consequence: missense variant.
Genome position (GRCh38, 1-based): chr2:165,315,535, T>C. VCF-style: chr2-165315535-T-C. GRCh37 (hg19) VCF-style: chr2-166172045-T-C.
Other names: c.1448T>C, p.Phe483Ser (NM_021007.3, NM_001040143.2, NM_001371246.1 and 1 more transcripts); short protein forms F483S.
Identifiers: ClinVar variation 1211838 (VCV001211838.3), dbSNP rs2105259678, ClinGen allele CA349022835.
Genomic context (GRCh38, chr2:165,315,535, plus strand): 5'-CAGCTGCAGCCGCATCTGCTGAATCAAGAGACTTCAGTGGTGCTGGTGGGATAGGAGTTT[T>C]TTCAGAGAGTTCTTCAGTAGCATCTAAGTTGAGCTCCAAAAGTGAAAAAGAGCTGAAAAA-3'
Protein context (NP_001035232.1, residues 473-493): DFSGAGGIGV[Phe483Ser]SESSSVASKL

ClinVar aggregate classification (germline): Uncertain significance (1 of 4 stars; one submission).

Submission:

GeneDx
Classification: Uncertain significance. Last evaluated: 2019-06-06. Review status: criteria provided, single submitter. Criteria: GeneDx Variant Classification Process June 2021. Collection method: clinical testing. Allele origin: germline. Affected: yes.
Comment: Not observed in large population cohorts (Lek et al., 2016); Missense variants in this gene are often considered pathogenic (Stenson et al., 2014); In silico analysis, which includes protein predictors and evolutionary conservation, supports that this variant does not alter protein structure/function; Has not been previously published as pathogenic or benign to our knowledge; This substitution is predicted to be within the N-terminal cytoplasmic domain